The following is an entry in ClinVar:

ClinVar aggregate classification (germline): Uncertain significance (1 of 4 stars; one submission).

Submission:

Dasa
Classification: Uncertain significance. Last evaluated: 2024-08-28. Review status: criteria provided, single submitter. Criteria: DASA Assertion Criteria. Collection method: clinical testing. Allele origin: germline.
Comment: NM_182641.4(BPTF):c.8126A>G (p.Gln2709Arg) is a missense variant that results in the substitution of glutamine with arginine. This variant is absent from population databases. Computational prediction algorithms are consistent with a benign effect. The currently available literature and clinical evidence are not sufficient to establish a definitive association between this variant and the reported condition. Therefore, this variant is classified as a variant of uncertain significance.

NM_182641.4(BPTF):c.8126A>G (p.Gln2709Arg)

Gene: BPTF (bromodomain PHD finger transcription factor; plus strand). Cytogenetic location: 17q24.2.
Variant type: single nucleotide variant.
Coding change: c.8126A>G on transcript NM_182641.4 (MANE Select); coding-DNA position 8126, A replaced by G.
Protein change: p.Gln2709Arg; replaces glutamine 2709 with arginine.
Molecular consequence: missense variant.
Genome position (GRCh38, 1-based): chr17:67,959,740, A>G. VCF-style: chr17-67959740-A-G. GRCh37 (hg19) VCF-style: chr17-65955856-A-G.
Other names: c.8315A>G, p.Gln2772Arg (NM_001439139.1); c.8075A>G, p.Gln2692Arg (NM_001439140.1, NM_001439142.1, NM_004459.7); c.8048A>G, p.Gln2683Arg (NM_001439141.1); c.7886A>G, p.Gln2629Arg (NM_001439143.1, NM_001439144.1); short protein forms Q2629R, Q2683R, Q2692R, Q2709R, Q2772R.
Identifiers: ClinVar variation 4852709 (VCV004852709.2).